The following is an entry in ClinVar:

ClinVar aggregate classification (germline): Likely pathogenic. Review status: criteria provided, single submitter (1 of 4 stars). 3 submissions from 3 submitters: Likely pathogenic (1). 2 of the submissions do not count toward it. Last evaluated 2021-07-22.

Conditions:
Niemann-Pick disease, type C1. Also called: NEUROVISCERAL STORAGE DISEASE WITH VERTICAL SUPRANUCLEAR OPHTHALMOPLEGIA; NIEMANN-PICK DISEASE WITH CHOLESTEROL ESTERIFICATION BLOCK; NIEMANN-PICK DISEASE WITHOUT SPHINGOMYELINASE DEFICIENCY; NIEMANN-PICK DISEASE, CHRONIC NEURONOPATHIC FORM; NIEMANN-PICK DISEASE, VARIANT TYPE C1. Identifiers: Orphanet 646, MedGen C3179455, MONDO:0009757, OMIM 257220.

Submissions (3):

Genome-Nilou Lab
Classification: Likely pathogenic for Niemann-Pick disease, type C1. Last evaluated: 2021-07-22. Review status: criteria provided, single submitter. Criteria: ACMG Guidelines, 2015. Collection method: clinical testing. Allele origin: germline. Affected: no.

Counsyl
Classification: Likely pathogenic for Niemann-Pick disease, type C1. Last evaluated: 2018-01-16. Review status: no assertion criteria provided. Collection method: clinical testing. Allele origin: unknown. Not counted in ClinVar's aggregate classification.

Baylor Genetics
Classification: Pathogenic for Niemann-Pick disease, type C1. Last evaluated: 2015-05-06. Review status: no assertion criteria provided. Collection method: clinical testing. Allele origin: maternal, germline. Inheritance: Autosomal recessive inheritance. Affected: yes. Observed: 1 variant allele, 1 compound heterozygote. Not counted in ClinVar's aggregate classification.

Literature cited by the submitters: PubMed 27959697 (cited by Counsyl).

NM_000271.5(NPC1):c.839del (p.Leu280fs)

Gene: NPC1 (NPC intracellular cholesterol transporter 1; minus strand). Cytogenetic location: 18q11.2.
Variant type: Deletion.
Coding change: c.839del on transcript NM_000271.5 (MANE Select); coding-DNA position 839, one base deleted (T; older notation c.839delT).
Protein change: p.Leu280fs; shifts the reading frame from leucine 280.
Molecular consequence: frameshift variant.
Genome position (GRCh38, 1-based): chr18:23,560,273, A deleted on the plus strand (T on the coding strand, the reverse complement: NPC1 is on the minus strand); the first of 5 consecutive A bases (chr18:23,560,273-23,560,277); deleting any one gives the same sequence. VCF-style (leftmost placement, unchanged base first): chr18-23560272-CA-C. GRCh37 (hg19) VCF-style: chr18-21140236-CA-C.
Other names: short protein forms L280fs.
Identifiers: ClinVar variation 374342 (VCV000374342.5), dbSNP rs1057518711, ClinGen allele CA16043698.